The following is an entry in ClinVar:

NM_001172509.2(SATB2):c.2167del (p.Ser723fs)

Genes: SATB2 (SATB homeobox 2; minus strand), LOC126806462 (MED14-independent group 3 enhancer GRCh37_chr2:200136608-200137807; plus strand). Cytogenetic location: 2q33.1.
Variant type: Deletion.
Coding change: c.2167del on transcript NM_001172509.2 (MANE Select); coding-DNA position 2167, one base deleted (A; older notation c.2167delA).
Protein change: p.Ser723fs; shifts the reading frame from serine 723.
Molecular consequence: frameshift variant.
Genome position (GRCh38, 1-based): chr2:199,272,246, T deleted on the plus strand (A on the coding strand, the reverse complement: SATB2 is on the minus strand); the first of 4 consecutive T bases (chr2:199,272,246-199,272,249); deleting any one gives the same sequence. VCF-style (leftmost placement, unchanged base first): chr2-199272245-CT-C. GRCh37 (hg19) VCF-style: chr2-200136968-CT-C.
Other names: c.2167del, p.Ser723fs (NM_001172517.1, NM_015265.4); short protein forms S723fs.
Identifiers: ClinVar variation 2822522 (VCV002822522.3), dbSNP rs2468782717, ClinGen allele CA2739279872.

ClinVar aggregate classification (germline): Uncertain significance (1 of 4 stars; one submission).

Conditions:
Chromosome 2q32-q33 deletion syndrome (GLASS). Also called: 2q33.1 deletion syndrome; Glass syndrome. Identifiers: Orphanet 251019, MedGen C2676739, MONDO:0012864, OMIM 612313.

Submission:

Labcorp Genetics (formerly Invitae), Labcorp
Classification: Uncertain significance for Chromosome 2q32-q33 deletion syndrome. Last evaluated: 2022-12-20. Review status: criteria provided, single submitter. Criteria: Invitae Variant Classification Sherloc (09022015). Collection method: clinical testing. Allele origin: germline.
Comment: In summary, the available evidence is currently insufficient to determine the role of this variant in disease. Therefore, it has been classified as a Variant of Uncertain Significance. Experimental studies and prediction algorithms are not available or were not evaluated, and the functional significance of this variant is currently unknown. This variant has not been reported in the literature in individuals affected with SATB2-related conditions. This variant is not present in population databases (gnomAD no frequency). This sequence change results in a frameshift in the SATB2 gene (p.Ser723Alafs*17). While this is not anticipated to result in nonsense mediated decay, it is expected to disrupt the last 11 amino acid(s) of the SATB2 protein and extend the protein by 5 additional amino acid residues.